The following is an entry in ClinVar:

NM_001966.4(EHHADH):c.828_830delinsCAT (p.Arg276_Lys277delinsSerIle)

Gene: EHHADH (enoyl-CoA hydratase and 3-hydroxyacyl CoA dehydrogenase; minus strand). Cytogenetic location: 3q27.2.
Variant type: Indel.
Coding change: c.828_830delinsCAT on transcript NM_001966.4 (MANE Select); coding-DNA positions 828 to 830, GAA replaced by CAT.
Protein change: p.Arg276_Lys277delinsSerIle.
Molecular consequence: missense variant.
Genome position (GRCh38, 1-based): chr3:185,204,496-185,204,498, TTC replaced by ATG on the plus strand (GAA replaced by CAT on the coding strand, the reverse complement: EHHADH is on the minus strand). VCF-style: chr3-185204496-TTC-ATG. GRCh37 (hg19) VCF-style: chr3-184922284-TTC-ATG.
Other names: c.540_542delinsCAT, p.Arg180_Lys181delinsSerIle (NM_001166415.2).
Identifiers: ClinVar variation 598475 (VCV000598475.6), dbSNP rs1560008854, ClinGen allele CA913189839.
Genomic context (GRCh38, chr3:185,204,496, plus strand): 5'-ACAGGCCGCGCTGATGCTGTTTTCCACGATGCTCCGGAGGGAGTTGACCACTTATTTGCT[TTC>ATG]CTTTCAGCGAAGAAAGCATATTGCAGGGCTCTAGCCTGCCCTGATTGCAAAAGATATAGA-3'

ClinVar aggregate classification (germline): Uncertain significance. Review status: criteria provided, multiple submitters, no conflicts (2 of 4 stars). 2 submissions from 2 submitters: Uncertain significance (2). Last evaluated 2024-01-31.

Submissions (2):

Women's Health and Genetics/Laboratory Corporation of America, LabCorp
Classification: Uncertain significance. Last evaluated: 2024-01-31. Review status: criteria provided, single submitter. Criteria: LabCorp Variant Classification Summary - May 2015. Collection method: clinical testing. Allele origin: germline.
Comment: Variant summary: EHHADH c.828_830delinsCAT (p.Arg276_Lys277delinsSerIle) results in an in-frame deletion-insertion that is predicted to cause changes in two amino acids. The variant allele was found at a frequency of 5.2e-05 in 250490 control chromosomes. This frequency is not significantly higher than estimated for a pathogenic variant in this gene. To our knowledge, no occurrence of c.828_830delinsCAT in individuals affected with Fanconi Renotubular Syndrome 3 and no experimental evidence demonstrating its impact on protein function have been reported. ClinVar contains an entry for this variant (Variation ID: 598475). Based on the evidence outlined above, the variant was classified as uncertain significance.

Eurofins Ntd Llc (ga)
Classification: Uncertain significance. Last evaluated: 2018-08-17. Review status: criteria provided, single submitter. Criteria: EGL ClinVar v180209 classification definitions. Collection method: clinical testing. Allele origin: germline. Observed: 1 variant allele, 1 heterozygote.